The following is an entry in ClinVar:

NM_000016.6(ACADM):c.1224_1234del (p.Arg408fs)

Gene: ACADM (acyl-CoA dehydrogenase medium chain; plus strand). Cytogenetic location: 1p31.1.
Variant type: Deletion.
Coding change: c.1224_1234del on transcript NM_000016.6 (MANE Select); coding-DNA positions 1224 to 1234, 11 bases deleted (ACTTATTGTAG).
Protein change: p.Arg408fs; shifts the reading frame from arginine 408.
Molecular consequence: frameshift variant.
Genome position (GRCh38, 1-based): chr1:75,762,721-75,762,731, ACTTATTGTAG deleted; deleting any 11 consecutive bases within chr1:75,762,719-75,762,731 gives the same sequence; the c. name uses the placement nearest the transcript's 3' end. VCF-style (leftmost placement, unchanged base first): chr1-75762718-AAGACTTATTGT-A. GRCh37 (hg19) VCF-style: chr1-76228403-AAGACTTATTGT-A.
Other names: c.1236_1246del, p.Arg412fs (NM_001127328.3); c.1116_1126del, p.Arg372fs (NM_001286042.2); c.1323_1333del, p.Arg441fs (NM_001286043.2); c.657_667del, p.Arg219fs (NM_001286044.2); short protein forms R219fs, R372fs, R408fs, R412fs, R441fs.
Identifiers: ClinVar variation 4817525 (VCV004817525.1).

ClinVar aggregate classification (germline): Likely pathogenic (1 of 4 stars; one submission).

Conditions:
Medium-chain acyl-coenzyme A dehydrogenase deficiency (ACADMD). Also called: ACADM DEFICIENCY; CARNITINE DEFICIENCY SECONDARY TO MEDIUM-CHAIN ACYL-CoA DEHYDROGENASE DEFICIENCY; Medium chain acyl-CoA dehydrogenase deficiency; MCADH DEFICIENCY; MCADD; MCAD Deficiency. Identifiers: Orphanet 42, MedGen C0220710, MONDO:0008721, OMIM 201450.

Submission:

Natera, Inc.
Classification: Likely pathogenic for Medium Chain Acyl-CoA Dehydrogenase Deficiency. Last evaluated: 2025-07-25. Review status: criteria provided, single submitter. Criteria: Natera Variant Classification Schema (03/2026). Collection method: clinical testing. Allele origin: germline.
Comment: The c.1224_1234delACTTATTGTAG variant in ACADM is a frameshift variant predicted to shift the reading frame beginning at codon 408 and leads to a stop codon 3 codons downstream. This variant is expected to result in nonsense mediated decay, truncation, or a dysfunctional protein product. This variant is rare in the general population with a frequency below the threshold expected for the associated phenotype(s). Given the available evidence, this variant is classified as Likely Pathogenic.